The following is an entry in ClinVar:

NM_020297.4(ABCC9):c.2339+5T>C

Gene: ABCC9 (ATP binding cassette subfamily C member 9; minus strand). Cytogenetic location: 12p12.1.
Variant type: single nucleotide variant.
Coding change: c.2339+5T>C on transcript NM_020297.4 (MANE Select); 5 bases into the intron after coding-DNA position 2339, T replaced by C.
Molecular consequence: intron variant.
Genome position (GRCh38, 1-based): chr12:21,862,948, A>G on the plus strand (T>C on the coding strand, the complement: ABCC9 is on the minus strand). VCF-style: chr12-21862948-A-G. GRCh37 (hg19) VCF-style: chr12-22015882-A-G.
Other names: c.1472+5T>C (NM_001377274.1); c.2339+5T>C (NM_005691.4, NM_001377273.1).
Identifiers: ClinVar variation 4993375 (VCV004993375.1).

ClinVar aggregate classification (germline): Likely benign (1 of 4 stars; one submission).

Conditions:
ABCC9-related disorder. Also called: ABCC9-related condition; ABCC9-related disorders.

Submission:

PreventionGenetics, part of Exact Sciences
Classification: Likely benign for ABCC9-related condition. Last evaluated: 2025-12-08. Review status: criteria provided, single submitter. Criteria: ACMG Guidelines, 2015. Collection method: clinical testing. Allele origin: germline.
Comment: This variant is classified as likely benign based on ACMG/AMP sequence variant interpretation guidelines (Richards et al. 2015 PMID: 25741868, with internal and published modifications).